The following is an entry in ClinVar:

ClinVar aggregate classification (germline): Uncertain significance (1 of 4 stars; one submission).

Conditions:
Hajdu-Cheney syndrome (HJCYS). Also called: ACROOSTEOLYSIS WITH OSTEOPOROSIS AND CHANGES IN SKULL AND MANDIBLE; SERPENTINE FIBULA-POLYCYSTIC KIDNEY SYNDROME; Acroosteolysis dominant type. Identifiers: Orphanet 955, MedGen C0917715, MONDO:0007057, OMIM 102500.

Allele frequency attached by ClinVar (database versions not stated): gnomAD 0.00001; TOPMed 0.00001.
gnomAD v4.1: 2 of 1,614,112 alleles (0.00012%); highest among the groups gnomAD compares: Admixed American, 0.0017%; no homozygotes.

Submission:

Labcorp Genetics (formerly Invitae), Labcorp
Classification: Uncertain significance for Hajdu-Cheney syndrome. Last evaluated: 2025-04-07. Review status: criteria provided, single submitter. Criteria: Invitae Variant Classification Sherloc (09022015). Collection method: clinical testing. Allele origin: germline.
Comment: This sequence change replaces glutamic acid, which is acidic and polar, with aspartic acid, which is acidic and polar, at codon 1613 of the NOTCH2 protein (p.Glu1613Asp). This variant is not present in population databases (gnomAD no frequency). This variant has not been reported in the literature in individuals affected with NOTCH2-related conditions. ClinVar contains an entry for this variant (Variation ID: 2894924). Invitae Evidence Modeling of protein sequence and biophysical properties (such as structural, functional, and spatial information, amino acid conservation, physicochemical variation, residue mobility, and thermodynamic stability) indicates that this missense variant is not expected to disrupt NOTCH2 protein function with a negative predictive value of 80%. In summary, the available evidence is currently insufficient to determine the role of this variant in disease. Therefore, it has been classified as a Variant of Uncertain Significance.

NM_024408.4(NOTCH2):c.4839A>C (p.Glu1613Asp)

Gene: NOTCH2 (notch receptor 2; minus strand). Cytogenetic location: 1p12.
Variant type: single nucleotide variant.
Coding change: c.4839A>C on transcript NM_024408.4 (MANE Select); coding-DNA position 4839, A replaced by C.
Protein change: p.Glu1613Asp; replaces glutamic acid 1613 with aspartic acid.
Molecular consequence: missense variant.
Genome position (GRCh38, 1-based): chr1:119,923,657, T>G on the plus strand (A>C on the coding strand, the complement: NOTCH2 is on the minus strand). VCF-style: chr1-119923657-T-G. GRCh37 (hg19) VCF-style: chr1-120466280-T-G.
Other names: short protein forms E1613D.
Identifiers: ClinVar variation 2894924 (VCV002894924.3), dbSNP rs1570662287, ClinGen allele CA341888432.
Genomic context (GRCh38, chr1:119,923,657, plus strand): 5'-TCATAAAATTAGCCTTGAAGTTCAGAAACCAAACACCTACCCAGCCACCTCCTGTTCTTG[T>G]TCACCAGGAAGGGATCTGCGTGTCATCCTCTGTTTCTTCATAGCAGCTGACTTCTCACCA-3'
Protein context (NP_077719.2, residues 1603-1623): QRMTRRSLPG[Glu1613Asp]QEQEVAGSKV